The following is an entry in ClinVar:

NM_000268.4(NF2):c.1493T>G (p.Phe498Cys)

Gene: NF2 (NF2, moesin-ezrin-radixin like (MERLIN) tumor suppressor; plus strand). Cytogenetic location: 22q12.2.
Variant type: single nucleotide variant.
Coding change: c.1493T>G on transcript NM_000268.4 (MANE Select); coding-DNA position 1493, T replaced by G.
Protein change: p.Phe498Cys; replaces phenylalanine 498 with cysteine.
Molecular consequence: missense variant. On other transcripts: non-coding transcript variant (1), intron variant (1).
Genome position (GRCh38, 1-based): chr22:29,678,242, T>G. VCF-style: chr22-29678242-T-G. GRCh37 (hg19) VCF-style: chr22-30074231-T-G.
Other names: c.1379T>G, p.Phe460Cys (NM_001407053.1, NM_001407056.1); c.1370T>G, p.Phe457Cys (NM_001407054.1, NM_001407058.1, NM_181829.3); c.1367T>G, p.Phe456Cys (NM_001407055.1, NM_181828.3); c.1358T>G, p.Phe453Cys (NM_001407057.1, NM_001407059.1); c.1493T>G, p.Phe498Cys (NM_001407060.1, NM_001407066.1, NM_016418.5 and 2 more transcripts); c.1235T>G, p.Phe412Cys (NM_001407062.1); c.1244T>G, p.Phe415Cys (NM_001407063.1, NM_001407064.1, NM_181830.3 and 1 more transcripts); c.959T>G, p.Phe320Cys (NM_001407065.1); and 2 more; short protein forms F453C, F460C, F320C, F412C, F415C, F421C, F457C, F456C.
Identifiers: ClinVar variation 3919165 (VCV003919165.1).

ClinVar aggregate classification (germline): Uncertain significance (1 of 4 stars; one submission).

Conditions:
Hereditary cancer-predisposing syndrome. Also called: Hereditary Cancer Syndrome; Hereditary neoplastic syndrome; Neoplastic Syndromes, Hereditary; Tumor predisposition. Identifiers: Orphanet 140162, MedGen C0027672, MeSH D009386, MONDO:0015356.

Submission:

Ambry Genetics
Classification: Uncertain significance for Hereditary cancer-predisposing syndrome. Last evaluated: 2025-06-02. Review status: criteria provided, single submitter. Criteria: Ambry Variant Classification Scheme 2023. Collection method: clinical testing. Allele origin: germline.
Comment: The p.F498C variant (also known as c.1493T>G), located in coding exon 14 of the NF2 gene, results from a T to G substitution at nucleotide position 1493. The phenylalanine at codon 498 is replaced by cysteine, an amino acid with highly dissimilar properties. This amino acid position is conserved. In addition, the in silico prediction for this alteration is inconclusive. Based on the available evidence, the clinical significance of this variant remains unclear.